The following is an entry in ClinVar:

ClinVar aggregate classification (germline): Uncertain significance (1 of 4 stars; one submission).

Conditions:
Hereditary spastic paraplegia 3A (SPG3A). Also called: SPASTIC PARAPLEGIA 3, AUTOSOMAL DOMINANT; FAMILIAL SPASTIC PARAPLEGIA, AUTOSOMAL DOMINANT, 1; SPG3; STRUMPELL DISEASE; Spastic Paraplegia 3A; Spastic paraplegia 3A, autosomal dominant. Identifiers: Orphanet 100984, MedGen C2931355, MONDO:0008437, OMIM 182600.

Submission:

Labcorp Genetics (formerly Invitae), Labcorp
Classification: Uncertain significance for Hereditary spastic paraplegia 3A. Last evaluated: 2021-03-10. Review status: criteria provided, single submitter. Criteria: Invitae Variant Classification Sherloc (09022015). Collection method: clinical testing. Allele origin: germline.
Comment: In summary, the available evidence is currently insufficient to determine the role of this variant in disease. Therefore, it has been classified as a Variant of Uncertain Significance. This sequence change replaces leucine with phenylalanine at codon 421 of the ATL1 protein (p.Leu421Phe). The leucine residue is highly conserved and there is a small physicochemical difference between leucine and phenylalanine. Advanced modeling of protein sequence and biophysical properties (such as structural, functional, and spatial information, amino acid conservation, physicochemical variation, residue mobility, and thermodynamic stability) performed at Invitae indicates that this missense variant is expected to disrupt ATL1 protein function. This variant has been observed in individual(s) with clinical features of hereditary spastic paraplegia (Invitae). This variant is not present in population databases (ExAC no frequency).

NM_015915.5(ATL1):c.1263G>C (p.Leu421Phe)

Gene: ATL1 (atlastin GTPase 1; plus strand). Cytogenetic location: 14q22.1.
Variant type: single nucleotide variant.
Coding change: c.1263G>C on transcript NM_015915.5 (MANE Select); coding-DNA position 1263, G replaced by C.
Protein change: p.Leu421Phe; replaces leucine 421 with phenylalanine.
Molecular consequence: missense variant.
Genome position (GRCh38, 1-based): chr14:50,628,174, G>C. VCF-style: chr14-50628174-G-C. GRCh37 (hg19) VCF-style: chr14-51094892-G-C.
Other names: c.1263G>C, p.Leu421Phe (NM_001127713.1, NM_181598.4); short protein forms L421F.
Identifiers: ClinVar variation 1505588 (VCV001505588.8), dbSNP rs2140239106, ClinGen allele CA389675890.